The following is an entry in ClinVar:

ClinVar aggregate classification (germline): Uncertain significance. Review status: criteria provided, multiple submitters, no conflicts (2 of 4 stars). 3 submissions from 3 submitters: Uncertain significance (3). Last evaluated 2025-06-03.

Conditions:
Inborn genetic diseases. Identifiers: MedGen C0950123, MeSH D030342.

Allele frequency attached by ClinVar (database versions not stated): TOPMed 0.00001.
gnomAD v4.1: 8 of 1,612,074 alleles (0.0005%); highest among the groups gnomAD compares: Admixed American, 0.012%; no homozygotes.

Submissions (3):

GeneDx
Classification: Uncertain significance. Last evaluated: 2025-06-03. Review status: criteria provided, single submitter. Criteria: GeneDx Variant Classification Process June 2021. Collection method: clinical testing. Allele origin: germline. Affected: yes.
Comment: In silico analysis suggests that this missense variant does not alter protein structure/function; Has not been previously published as pathogenic or benign to our knowledge

Ambry Genetics
Classification: Uncertain significance for Inborn genetic diseases. Last evaluated: 2025-02-14. Review status: criteria provided, single submitter. Criteria: Ambry Variant Classification Scheme 2023. Collection method: clinical testing. Allele origin: germline.

Labcorp Genetics (formerly Invitae), Labcorp
Classification: Uncertain significance. Last evaluated: 2022-02-22. Review status: criteria provided, single submitter. Criteria: Invitae Variant Classification Sherloc (09022015). Collection method: clinical testing. Allele origin: germline.
Comment: In summary, the available evidence is currently insufficient to determine the role of this variant in disease. Therefore, it has been classified as a Variant of Uncertain Significance. Algorithms developed to predict the effect of missense changes on protein structure and function are either unavailable or do not agree on the potential impact of this missense change (SIFT: "Deleterious"; PolyPhen-2: "Benign"; Align-GVGD: "Class C65"). This variant has not been reported in the literature in individuals affected with KLHL7-related conditions. This variant is present in population databases (no rsID available, gnomAD 0.01%). This sequence change replaces serine, which is neutral and polar, with alanine, which is neutral and non-polar, at codon 108 of the KLHL7 protein (p.Ser108Ala).

NM_001031710.3(KLHL7):c.322T>G (p.Ser108Ala)

Gene: KLHL7 (kelch like family member 7; plus strand). Cytogenetic location: 7p15.3.
Variant type: single nucleotide variant.
Coding change: c.322T>G on transcript NM_001031710.3 (MANE Select); coding-DNA position 322, T replaced by G.
Protein change: p.Ser108Ala; replaces serine 108 with alanine.
Molecular consequence: missense variant. On other transcripts: non-coding transcript variant (2).
Genome position (GRCh38, 1-based): chr7:23,125,052, T>G. VCF-style: chr7-23125052-T-G. GRCh37 (hg19) VCF-style: chr7-23164671-T-G.
Other names: c.322T>G (NM_001031710.2); c.322T>G, p.Ser108Ala (NM_001172428.2); c.178T>G, p.Ser60Ala (NM_018846.5); short protein forms S108A, S60A.
Identifiers: ClinVar variation 1910209 (VCV001910209.7), dbSNP rs1333020874, ClinGen allele CA366975505.
Genomic context (GRCh38, chr7:23,125,052, plus strand): 5'-ACATTTAAATAATAAAAAATCATGGGTAACTAATATTCCCTCTAACTTATTTGCAGAATT[T>G]CCGTGAATAGCAACAATGTTCAGTCTTTGCTGGATGCAGCAAACCAATATCAGATTGAAC-3'
Protein context (NP_001026880.2, residues 98-118): LVEFAYTARI[Ser108Ala]VNSNNVQSLL